The following is an entry in ClinVar:

NM_003803.4(MYOM1):c.2210-3C>T

Gene: MYOM1 (myomesin 1; minus strand). Cytogenetic location: 18p11.31.
Variant type: single nucleotide variant.
Coding change: c.2210-3C>T on transcript NM_003803.4 (MANE Select); 3 bases into the intron before coding-DNA position 2210, C replaced by T.
Molecular consequence: intron variant.
Genome position (GRCh38, 1-based): chr18:3,134,827, G>A on the plus strand (C>T on the coding strand, the complement: MYOM1 is on the minus strand). VCF-style: chr18-3134827-G-A. GRCh37 (hg19) VCF-style: chr18-3134825-G-A.
Other names: c.2210-3C>T (NM_019856.2).
Identifiers: ClinVar variation 4748622 (VCV004748622.1).

ClinVar aggregate classification (germline): Uncertain significance (1 of 4 stars; one submission).

Conditions:
Hypertrophic cardiomyopathy. Also called: HYPERTROPHIC MYOCARDIOPATHY. Identifiers: Orphanet 217569, MedGen C0007194, MeSH D002312, MONDO:0005045, HP:0001639.

gnomAD v4.1: 2 of 1,613,862 alleles (0.00012%); highest among the groups gnomAD compares: Non-Finnish European, 0.00017%; no homozygotes.

Submission:

Labcorp Genetics (formerly Invitae), Labcorp
Classification: Uncertain significance for Hypertrophic cardiomyopathy. Last evaluated: 2025-08-30. Review status: criteria provided, single submitter. Criteria: Invitae Variant Classification Sherloc (09022015). Collection method: clinical testing. Allele origin: germline.
Comment: This sequence change falls in intron 15 of the MYOM1 gene. It does not directly change the encoded amino acid sequence of the MYOM1 protein. It affects a nucleotide within the consensus splice site. This variant is not present in population databases (gnomAD no frequency). This variant has not been reported in the literature in individuals affected with MYOM1-related conditions. Variants that disrupt the consensus splice site are a relatively common cause of aberrant splicing (PMID: 17576681, 9536098). Algorithms developed to predict the effect of sequence changes on RNA splicing suggest that this variant is not likely to affect RNA splicing. In summary, the available evidence is currently insufficient to determine the role of this variant in disease. Therefore, it has been classified as a Variant of Uncertain Significance.

Literature cited by the submitters: PubMed 17576681; PubMed 9536098.